The following is an entry in ClinVar:

NM_000182.5(HADHA):c.845T>A (p.Val282Asp)

Gene: HADHA (hydroxyacyl-CoA dehydrogenase trifunctional multienzyme complex subunit alpha; minus strand). Cytogenetic location: 2p23.3.
Variant type: single nucleotide variant.
Coding change: c.845T>A on transcript NM_000182.5 (MANE Select); coding-DNA position 845, T replaced by A.
Protein change: p.Val282Asp; replaces valine 282 with aspartic acid.
Molecular consequence: missense variant.
Genome position (GRCh38, 1-based): chr2:26,214,516, A>T on the plus strand (T>A on the coding strand, the complement: HADHA is on the minus strand). VCF-style: chr2-26214516-A-T. GRCh37 (hg19) VCF-style: chr2-26437385-A-T.
Other names: V246D; short protein forms V282D.
Identifiers: ClinVar variation 8735 (VCV000008735.4), dbSNP rs137852773, ClinGen allele CA340821.

ClinVar aggregate classification (germline): Uncertain significance. Review status: criteria provided, single submitter (1 of 4 stars). 2 submissions from 2 submitters: Uncertain significance (1). 1 of the submissions does not count toward it. Last evaluated 2025-02-11.

Conditions:
Mitochondrial trifunctional protein deficiency 1 (MTPD1). Identifiers: MedGen CN376812, MONDO:0958181, OMIM 609015.

Submissions (2):

Women's Health and Genetics/Laboratory Corporation of America, LabCorp
Classification: Uncertain significance. Last evaluated: 2025-02-11. Review status: criteria provided, single submitter. Criteria: LabCorp Variant Classification Summary - May 2015. Collection method: clinical testing. Allele origin: germline.
Comment: Variant summary: HADHA c.845T>A (p.Val282Asp) results in a non-conservative amino acid change located in the ClpP/crotonase domain (IPR029045) of the encoded protein sequence. Five of five in-silico tools predict a damaging effect of the variant on protein function. The variant was absent in 251328 control chromosomes. c.845T>A has been reported in the literature in at least one homozygous individual affected with Long Chain 3-Hydroxyacyl-CoA Dehydrogenase Deficiency (e.g. Ibdah_1998, Ibdah_1999). These data indicate that the variant may be associated with disease. To our knowledge, no experimental evidence demonstrating an impact on protein function has been reported. The following publications have been ascertained in the context of this evaluation (PMID: 9739053, 10352164). ClinVar contains an entry for this variant (Variation ID: 8735). Based on the evidence outlined above, the variant was classified as VUS-possibly pathogenic.

OMIM
Classification: Pathogenic for MITOCHONDRIAL TRIFUNCTIONAL PROTEIN DEFICIENCY 1 WITH MYOPATHY AND NEUROPATHY. Last evaluated: 1998-09-15. Review status: no assertion criteria provided. Collection method: literature only. Allele origin: germline. Not counted in ClinVar's aggregate classification.

Literature cited by the submitters: PubMed 10352164 (cited by Women's Health and Genetics/Laboratory Corporation of America, LabCorp); PubMed 9739053 (cited by Women's Health and Genetics/Laboratory Corporation of America, LabCorp and OMIM).